The following is an entry in ClinVar:

ClinVar aggregate classification (germline): Uncertain significance (1 of 4 stars; one submission).

Submission:

Labcorp Genetics (formerly Invitae), Labcorp
Classification: Uncertain significance. Last evaluated: 2022-09-21. Review status: criteria provided, single submitter. Criteria: Invitae Variant Classification Sherloc (09022015). Collection method: clinical testing. Allele origin: germline.
Comment: In summary, the available evidence is currently insufficient to determine the role of this variant in disease. Therefore, it has been classified as a Variant of Uncertain Significance. Experimental studies and prediction algorithms are not available or were not evaluated, and the functional significance of this variant is currently unknown. This variant has not been reported in the literature in individuals affected with COL4A6-related conditions. Information on the frequency of this variant in the gnomAD database is not available, as this variant may be reported differently in the database. This sequence change replaces arginine, which is basic and polar, with glycine, which is neutral and non-polar, at codon 1518 of the COL4A6 protein (p.Arg1518Gly).

NM_033641.4(COL4A6):c.4548_4549delinsTG (p.Arg1517Gly)

Gene: COL4A6 (collagen type IV alpha 6 chain; minus strand). Cytogenetic location: Xq22.3.
Variant type: Indel.
Coding change: c.4548_4549delinsTG on transcript NM_033641.4 (MANE Select); coding-DNA positions 4548 to 4549, CC replaced by TG.
Protein change: p.Arg1517Gly; replaces arginine 1517 with glycine.
Molecular consequence: missense variant.
Genome position (GRCh38, 1-based): chrX:108,159,725-108,159,726, GG replaced by CA on the plus strand (CC replaced by TG on the coding strand, the reverse complement: COL4A6 is on the minus strand). VCF-style: chrX-108159725-GG-CA. GRCh37 (hg19) VCF-style: chrX-107402955-GG-CA.
Other names: c.4599_4600delinsTG, p.Arg1534Gly (NM_001287758.2); c.4476_4477delinsTG, p.Arg1493Gly (NM_001287759.2); c.4377_4378delinsTG, p.Arg1460Gly (NM_001287760.2); c.4551_4552delinsTG, p.Arg1518Gly (NM_001847.4); short protein forms R1460G, R1493G, R1517G, R1518G, R1534G.
Identifiers: ClinVar variation 1719990 (VCV001719990.5), dbSNP rs2521660038, ClinGen allele CA2580100141.